The following is an entry in ClinVar:

NM_001009944.3(PKD1):c.7777G>A (p.Ala2593Thr)

Gene: PKD1 (polycystin 1, transient receptor potential channel interacting; minus strand). Cytogenetic location: 16p13.3.
Variant type: single nucleotide variant.
Coding change: c.7777G>A on transcript NM_001009944.3 (MANE Select); coding-DNA position 7777, G replaced by A.
Protein change: p.Ala2593Thr; replaces alanine 2593 with threonine.
Molecular consequence: missense variant.
Genome position (GRCh38, 1-based): chr16:2,105,951, C>T on the plus strand (G>A on the coding strand, the complement: PKD1 is on the minus strand). VCF-style: chr16-2105951-C-T. GRCh37 (hg19) VCF-style: chr16-2155952-C-T.
Other names: c.7777G>A (NM_000296.3); c.7777G>A, p.Ala2593Thr (NM_000296.4); short protein forms A2593T.
Identifiers: ClinVar variation 994388 (VCV000994388.10), dbSNP rs760879762, ClinGen allele CA7830914.

ClinVar aggregate classification (germline): Uncertain significance. Review status: criteria provided, multiple submitters, no conflicts (2 of 4 stars). 2 submissions from 2 submitters: Uncertain significance (2). Last evaluated 2021-08-17.

Conditions:
Inborn genetic diseases. Identifiers: MedGen C0950123, MeSH D030342.
Polycystic kidney disease, adult type (PKD1). Also called: Polycystic Kidney Disease 1, Autosomal Dominant; Polycystic kidney disease 1; Polycystic kidney disease 1, severe; POLYCYSTIC KIDNEY DISEASE, ADULT, TYPE I; POLYCYSTIC KIDNEY DISEASE 1 WITH OR WITHOUT POLYCYSTIC LIVER DISEASE; Polycystic Kidney, Autosomal Dominant. Identifiers: MedGen C3149841, MONDO:0008263, OMIM 173900.

Allele frequency attached by ClinVar (database versions not stated): gnomAD 0.00001 and 0.00002; TOPMed 0.00005.
gnomAD v4.1: 32 of 1,599,010 alleles (0.002%); highest among the groups gnomAD compares: Admixed American, 0.037%; no homozygotes.

Submissions (2):

Ambry Genetics
Classification: Uncertain significance for Inborn genetic diseases. Last evaluated: 2021-08-17. Review status: criteria provided, single submitter. Criteria: Ambry Variant Classification Scheme 2023. Collection method: clinical testing. Allele origin: germline.

ARUP Laboratories, Molecular Genetics and Genomics, ARUP Laboratories
Classification: Uncertain significance for Polycystic kidney disease, adult type. Last evaluated: 2019-08-15. Review status: criteria provided, single submitter. Criteria: ARUP Molecular Germline Variant Investigation Process. Collection method: clinical testing. Allele origin: germline.
Comment: The PKD1 c.7777G>A; p.Ala2593Thr variant (rs760879762), to our knowledge, is not reported in the medical literature or gene specific databases. This variant is found in the general population with an overall allele frequency of 0.0075% (20/265866 alleles) in the Genome Aggregation Database. The alanine at codon 2593 is weakly conserved, and computational analyses (SIFT: tolerated, PolyPhen-2: possibly damaging) predict conflicting effects of this variant on protein structure/function. Due to limited information, the clinical significance of the p.Ala2593Thr variant is uncertain at this time.